The following is an entry in ClinVar:

NM_002764.4(PRPS1):c.316C>A (p.Pro106Thr)

Gene: PRPS1 (phosphoribosyl pyrophosphate synthetase 1; plus strand). Cytogenetic location: Xq22.3.
Variant type: single nucleotide variant.
Coding change: c.316C>A on transcript NM_002764.4 (MANE Select); coding-DNA position 316, C replaced by A.
Protein change: p.Pro106Thr; replaces proline 106 with threonine.
Molecular consequence: missense variant. On other transcripts: intron variant (1).
Genome position (GRCh38, 1-based): chrX:107,640,911, C>A. VCF-style: chrX-107640911-C-A. GRCh37 (hg19) VCF-style: chrX-106884141-C-A.
Other names: c.-82-4266C>A (NM_001204402.2); c.316C>A (NM_002764.3); short protein forms P106T.
Identifiers: ClinVar variation 1462291 (VCV001462291.9), dbSNP rs2147682369, ClinGen allele CA413806329.

ClinVar aggregate classification (germline): Uncertain significance. Review status: criteria provided, multiple submitters, no conflicts (2 of 4 stars). 2 submissions from 2 submitters: Uncertain significance (2). Last evaluated 2026-02-03.

Conditions:
Charcot-Marie-Tooth Neuropathy X. Identifiers: MedGen CN118851.

Submissions (2):

GeneDx
Classification: Uncertain significance. Last evaluated: 2026-02-03. Review status: criteria provided, single submitter. Criteria: GeneDx Variant Classification Process June 2021. Collection method: clinical testing. Allele origin: germline.
Comment: Not observed at significant frequency in large population cohorts (gnomAD); In silico analysis supports that this missense variant has a deleterious effect on protein structure/function; Has not been previously published as pathogenic or benign to our knowledge

Labcorp Genetics (formerly Invitae), Labcorp
Classification: Uncertain significance for Charcot-Marie-Tooth Neuropathy X. Last evaluated: 2024-05-22. Review status: criteria provided, single submitter. Criteria: Invitae Variant Classification Sherloc (09022015). Collection method: clinical testing. Allele origin: germline.
Comment: This sequence change replaces proline, which is neutral and non-polar, with threonine, which is neutral and polar, at codon 106 of the PRPS1 protein (p.Pro106Thr). This variant is not present in population databases (gnomAD no frequency). This variant has not been reported in the literature in individuals affected with PRPS1-related conditions. ClinVar contains an entry for this variant (Variation ID: 1462291). Advanced modeling of protein sequence and biophysical properties (such as structural, functional, and spatial information, amino acid conservation, physicochemical variation, residue mobility, and thermodynamic stability) performed at Invitae indicates that this missense variant is not expected to disrupt PRPS1 protein function with a negative predictive value of 80%. In summary, the available evidence is currently insufficient to determine the role of this variant in disease. Therefore, it has been classified as a Variant of Uncertain Significance.